The following is an entry in ClinVar:

NM_000222.3(KIT):c.2401A>G (p.Thr801Ala)

Gene: KIT (KIT proto-oncogene, receptor tyrosine kinase; plus strand). Cytogenetic location: 4q12.
Variant type: single nucleotide variant.
Coding change: c.2401A>G on transcript NM_000222.3 (MANE Select); coding-DNA position 2401, A replaced by G.
Protein change: p.Thr801Ala; replaces threonine 801 with alanine.
Molecular consequence: missense variant.
Genome position (GRCh38, 1-based): chr4:54,733,109, A>G. VCF-style: chr4-54733109-A-G. GRCh37 (hg19) VCF-style: chr4-55599275-A-G.
Other names: c.2389A>G, p.Thr797Ala (NM_001093772.2, NM_001385292.1); c.2404A>G, p.Thr802Ala (NM_001385284.1); c.2398A>G, p.Thr800Ala (NM_001385285.1); c.2386A>G, p.Thr796Ala (NM_001385286.1); c.2392A>G, p.Thr798Ala (NM_001385288.1); c.2401A>G, p.Thr801Ala (NM_001385290.1); short protein forms T797A, T796A, T798A, T801A, T800A, T802A.
Identifiers: ClinVar variation 4093189 (VCV004093189.1).
Genomic context (GRCh38, chr4:54,733,109, plus strand): 5'-TTTTCTCCTCCAACCTAATAGTGTATTCACAGAGACTTGGCAGCCAGAAATATCCTCCTT[A>G]CTCATGGTCGGATCACAAAGATTTGTGATTTTGGTCTAGCCAGAGACATCAAGAATGATT-3'
Protein context (NP_000213.1, residues 791-811): RDLAARNILL[Thr801Ala]HGRITKICDF

ClinVar aggregate classification (germline): Uncertain significance (1 of 4 stars; one submission).

Conditions:
Hereditary cancer-predisposing syndrome. Also called: Tumor predisposition; Neoplastic Syndromes, Hereditary; Hereditary neoplastic syndrome; Hereditary Cancer Syndrome. Identifiers: Orphanet 140162, MedGen C0027672, MeSH D009386, MONDO:0015356.

Submission:

Ambry Genetics
Classification: Uncertain significance for Hereditary cancer-predisposing syndrome. Last evaluated: 2025-08-02. Review status: criteria provided, single submitter. Criteria: Ambry Variant Classification Scheme 2023. Collection method: clinical testing. Allele origin: germline.
Comment: The p.T801A variant (also known as c.2401A>G), located in coding exon 17 of the KIT gene, results from an A to G substitution at nucleotide position 2401. The threonine at codon 801 is replaced by alanine, an amino acid with similar properties. This amino acid position is conserved. In addition, this alteration is predicted to be deleterious by in silico analysis. Based on the available evidence, the clinical significance of this variant remains unclear.